The following is an entry in ClinVar:

NM_021098.3(CACNA1H):c.3368G>C (p.Ser1123Thr)

Gene: CACNA1H (calcium voltage-gated channel subunit alpha1 H; plus strand). Cytogenetic location: 16p13.3.
Variant type: single nucleotide variant.
Coding change: c.3368G>C on transcript NM_021098.3 (MANE Select); coding-DNA position 3368, G replaced by C.
Protein change: p.Ser1123Thr; replaces serine 1123 with threonine.
Molecular consequence: missense variant.
Genome position (GRCh38, 1-based): chr16:1,209,036, G>C. VCF-style: chr16-1209036-G-C. GRCh37 (hg19) VCF-style: chr16-1259036-G-C.
Other names: c.3368G>C, p.Ser1123Thr (NM_001005407.2); short protein forms S1123T.
Identifiers: ClinVar variation 1348058 (VCV001348058.9), dbSNP rs1317286644, ClinGen allele CA394173176.
Genomic context (GRCh38, chr16:1,209,036, plus strand): 5'-CAGCGGTCGGTGCTAATAGTGATGCCACCAGGTCACTGACTCCCGCCACCCCCCAGGCCA[G>C]CCTCCGAAGTTCTCCCTGTGCCCCCTGGGGCCCCAGTGGCGCCTGGAGCAGCCGGCGCTC-3'
Protein context (NP_066921.2, residues 1113-1133): PPLGDQKPPA[Ser1123Thr]LRSSPCAPWG

ClinVar aggregate classification (germline): Uncertain significance. Review status: criteria provided, multiple submitters, no conflicts (2 of 4 stars). 2 submissions from 2 submitters: Uncertain significance (2). Last evaluated 2022-05-18.

Conditions:
Idiopathic generalized epilepsy. Also called: EIG; Generalised epilepsy. Identifiers: MedGen C0270850, MONDO:0005579, OMIM 600669.
Hyperaldosteronism, familial, type IV (HALD4). Also called: FH IV; ALDOSTERONISM, PRIMARY, AND HYPERTENSION. Identifiers: Orphanet 642671, MedGen C4310756, MONDO:0014875, OMIM 617027.
Epilepsy, childhood absence, susceptibility to, 6. Identifiers: Orphanet 64280, MedGen C2749872, MONDO:0012763, OMIM 611942.

Allele frequency attached by ClinVar (database versions not stated): gnomAD exomes below 0.00001.

Submissions (2):

Fulgent Genetics
Classification: Uncertain significance for Epilepsy, childhood absence, susceptibility to, 6; Hyperaldosteronism, familial, type IV. Last evaluated: 2022-05-18. Review status: criteria provided, single submitter. Criteria: ACMG Guidelines, 2015. Collection method: clinical testing. Allele origin: unknown.

Labcorp Genetics (formerly Invitae), Labcorp
Classification: Uncertain significance for Idiopathic generalized epilepsy; Hyperaldosteronism, familial, type IV. Last evaluated: 2021-04-23. Review status: criteria provided, single submitter. Criteria: Invitae Variant Classification Sherloc (09022015). Collection method: clinical testing. Allele origin: germline.
Comment: This variant has not been reported in the literature in individuals with CACNA1H-related conditions. In summary, the available evidence is currently insufficient to determine the role of this variant in disease. Therefore, it has been classified as a Variant of Uncertain Significance. Advanced modeling of protein sequence and biophysical properties (such as structural, functional, and spatial information, amino acid conservation, physicochemical variation, residue mobility, and thermodynamic stability) performed at Invitae indicates that this missense variant is not expected to disrupt CACNA1H protein function. The frequency data for this variant in the population databases is considered unreliable, as metrics indicate insufficient coverage at this position in the ExAC database. This sequence change replaces serine with threonine at codon 1123 of the CACNA1H protein (p.Ser1123Thr). The serine residue is highly conserved and there is a small physicochemical difference between serine and threonine.